The following is an entry in ClinVar:

ClinVar aggregate classification (germline): Uncertain significance (1 of 4 stars; one submission).

Allele frequency attached by ClinVar (database versions not stated): TOPMed below 0.00001; gnomAD exomes 0.00001 and 0.00002; ExAC 0.00002; ESP Exome Variant Server 0.00008.

Submission:

Labcorp Genetics (formerly Invitae), Labcorp
Classification: Uncertain significance. Last evaluated: 2023-11-13. Review status: criteria provided, single submitter. Criteria: Invitae Variant Classification Sherloc (09022015). Collection method: clinical testing. Allele origin: germline.
Comment: This sequence change replaces arginine, which is basic and polar, with cysteine, which is neutral and slightly polar, at codon 460 of the CAPN5 protein (p.Arg460Cys). This variant is present in population databases (rs148733225, gnomAD 0.006%). This variant has not been reported in the literature in individuals affected with CAPN5-related conditions. ClinVar contains an entry for this variant (Variation ID: 1353919). Advanced modeling of protein sequence and biophysical properties (such as structural, functional, and spatial information, amino acid conservation, physicochemical variation, residue mobility, and thermodynamic stability) performed at Invitae indicates that this missense variant is not expected to disrupt CAPN5 protein function with a negative predictive value of 80%. In summary, the available evidence is currently insufficient to determine the role of this variant in disease. Therefore, it has been classified as a Variant of Uncertain Significance.

NM_004055.5(CAPN5):c.1378C>T (p.Arg460Cys)

Gene: CAPN5 (calpain 5; plus strand). Cytogenetic location: 11q13.5.
Variant type: single nucleotide variant.
Coding change: c.1378C>T on transcript NM_004055.5 (MANE Select); coding-DNA position 1378, C replaced by T.
Protein change: p.Arg460Cys; replaces arginine 460 with cysteine.
Molecular consequence: missense variant.
Genome position (GRCh38, 1-based): chr11:77,120,800, C>T. VCF-style: chr11-77120800-C-T. GRCh37 (hg19) VCF-style: chr11-76831846-C-T.
Other names: short protein forms R460C.
Identifiers: ClinVar variation 1353919 (VCV001353919.8), dbSNP rs148733225, ClinGen allele CA6196793.